The following is an entry in ClinVar:

NM_003372.7(VBP1):c.72G>T (p.Gly24=)

Genes: VBP1 (VHL binding protein 1; plus strand), LOC113875016 (Sharpr-MPRA regulatory region 7862; plus strand). Cytogenetic location: Xq28.
Variant type: single nucleotide variant.
Coding change: c.72G>T on transcript NM_003372.7 (MANE Select); coding-DNA position 72, G replaced by T.
Protein change: p.Gly24=; no amino-acid change (glycine 24 retained).
Molecular consequence: synonymous variant. On other transcripts: 5 prime UTR variant (1), intron variant (1).
Genome position (GRCh38, 1-based): chrX:155,216,554, G>T. VCF-style: chrX-155216554-G-T. GRCh37 (hg19) VCF-style: chrX-154444831-G-T.
Other names: c.180G>T, p.Gly60= (NM_001303543.1); c.-36G>T (NM_001303545.1); c.79-3629G>T (NM_001303544.1).
Identifiers: ClinVar variation 2661875 (VCV002661875.24), dbSNP rs2524181059, ClinGen allele CA519402504.

ClinVar aggregate classification (germline): Likely benign (1 of 4 stars; one submission).

Submission:

CeGaT Center for Human Genetics Tuebingen
Classification: Likely benign. Last evaluated: 2022-06-01. Review status: criteria provided, single submitter. Criteria: CeGaT Center For Human Genetics Tuebingen Variant Classification Criteria Version 2. Collection method: clinical testing. Allele origin: germline. Affected: yes. Observed: 1 variant allele.
Comment: VBP1: PM2:Supporting, BP4, BP7